The following is an entry in ClinVar:

NM_000537.4(REN):c.817G>C (p.Gly273Arg)

Gene: REN (renin; minus strand). Cytogenetic location: 1q32.1.
Variant type: single nucleotide variant.
Coding change: c.817G>C on transcript NM_000537.4 (MANE Select); coding-DNA position 817, G replaced by C.
Protein change: p.Gly273Arg; replaces glycine 273 with arginine.
Molecular consequence: missense variant.
Genome position (GRCh38, 1-based): chr1:204,156,678, C>G on the plus strand (G>C on the coding strand, the complement: REN is on the minus strand). VCF-style: chr1-204156678-C-G. GRCh37 (hg19) VCF-style: chr1-204125806-C-G.
Other names: short protein forms G273R.
Identifiers: ClinVar variation 294953 (VCV000294953.11), dbSNP rs752756662, ClinGen allele CA1344789.

ClinVar aggregate classification (germline): Uncertain significance. Review status: criteria provided, multiple submitters, no conflicts (2 of 4 stars). 4 submissions from 3 submitters: Uncertain significance (4). Last evaluated 2023-07-06.

Conditions:
Familial juvenile hyperuricemic nephropathy type 2 (ADTKD4). Also called: Autosomal Dominant Tubulointerstitial Kidney Disease – REN; EARLY-ONSET HYPERURICEMIA, ANEMIA, AND PROGRESSIVE KIDNEY FAILURE. Identifiers: Orphanet 217330, MedGen C2751310, MONDO:0013128, OMIM 613092.
Renal tubular dysgenesis. Also called: Renotubular dysgenesis. Identifiers: Orphanet 3033, MedGen C0266313, MONDO:0017609, HP:0008660.

Allele frequency attached by ClinVar (database versions not stated): gnomAD exomes below 0.00001; ExAC 0.00001.
gnomAD v4.1: 2 of 1,614,114 alleles (0.00012%); highest among the groups gnomAD compares: Non-Finnish European, 0.00017%; no homozygotes.

Submissions (4):

Blueprint Genetics
Classification: Uncertain significance. Last evaluated: 2023-07-06. Review status: criteria provided, single submitter. Criteria: ACMG Guidelines, 2015. Collection method: clinical testing. Allele origin: germline.

Labcorp Genetics (formerly Invitae), Labcorp
Classification: Uncertain significance. Last evaluated: 2022-08-16. Review status: criteria provided, single submitter. Criteria: Invitae Variant Classification Sherloc (09022015). Collection method: clinical testing. Allele origin: germline.
Comment: ClinVar contains an entry for this variant (Variation ID: 294953). This sequence change replaces glycine, which is neutral and non-polar, with arginine, which is basic and polar, at codon 273 of the REN protein (p.Gly273Arg). This variant is present in population databases (rs752756662, gnomAD 0.0009%). This variant has not been reported in the literature in individuals affected with REN-related conditions. Algorithms developed to predict the effect of missense changes on protein structure and function are either unavailable or do not agree on the potential impact of this missense change (SIFT: "Deleterious"; PolyPhen-2: "Probably Damaging"; Align-GVGD: "Class C0"). In summary, the available evidence is currently insufficient to determine the role of this variant in disease. Therefore, it has been classified as a Variant of Uncertain Significance.

Illumina Laboratory Services, Illumina
Classification: Uncertain significance for Familial juvenile hyperuricemic nephropathy type 2. Last evaluated: 2018-01-12. Review status: criteria provided, single submitter. Criteria: ICSL Variant Classification Criteria 13 December 2019. Collection method: clinical testing. Allele origin: germline.

Illumina Laboratory Services, Illumina
Classification: Uncertain significance for Renal tubular dysgenesis of genetic origin. Last evaluated: 2018-01-12. Review status: criteria provided, single submitter. Criteria: ICSL Variant Classification Criteria 13 December 2019. Collection method: clinical testing. Allele origin: germline.